The following is an entry in ClinVar:

ClinVar aggregate classification (germline): Uncertain significance (1 of 4 stars; one submission).

gnomAD v4.1: 5 of 1,535,866 alleles (0.00033%); highest among the groups gnomAD compares: Admixed American, 0.0074%; no homozygotes.

Submission:

Ambry Genetics
Classification: Uncertain significance. Last evaluated: 2024-12-04. Review status: criteria provided, single submitter. Criteria: Ambry Variant Classification Scheme 2023. Collection method: clinical testing. Allele origin: germline.
Comment: The p.P957L variant (also known as c.2870C>T), located in coding exon 11 of the WNK2 gene, results from a C to T substitution at nucleotide position 2870. The proline at codon 957 is replaced by leucine, an amino acid with similar properties. This amino acid position is conserved. In addition, this alteration is predicted to be tolerated by in silico analysis. Based on the available evidence, the clinical significance of this variant remains unclear.

NM_006648.4(WNK2):c.2870C>T (p.Pro957Leu)

Gene: WNK2 (WNK lysine deficient protein kinase 2; plus strand). Cytogenetic location: 9q22.31.
Variant type: single nucleotide variant.
Coding change: c.2870C>T on transcript NM_006648.4 (MANE Select); coding-DNA position 2870, C replaced by T.
Protein change: p.Pro957Leu; replaces proline 957 with leucine.
Molecular consequence: missense variant.
Genome position (GRCh38, 1-based): chr9:93,259,418, C>T. VCF-style: chr9-93259418-C-T. GRCh37 (hg19) VCF-style: chr9-96021700-C-T.
Other names: c.2870C>T, p.Pro957Leu (NM_001282394.3); short protein forms P957L.
Identifiers: ClinVar variation 3333165 (VCV003333165.2).
Genomic context (GRCh38, chr9:93,259,418, plus strand): 5'-CCACCCCTCCACAGCCGGCACTGCCTCCACAACCCACACTGCCCCCACAACCCGTGCTGC[C>T]CCCGCAACCCACGCTGCCCCCTCAACCTGTGTTGCCCCCGCAACCCACACGGCCCCCTCA-3'
Protein context (NP_006639.3, residues 947-967): QPTLPPQPVL[Pro957Leu]PQPTLPPQPV